The following is an entry in ClinVar:

NM_032578.4(MYPN):c.3098A>G (p.His1033Arg)

Gene: MYPN (myopalladin; plus strand). Cytogenetic location: 10q21.3.
Variant type: single nucleotide variant.
Coding change: c.3098A>G on transcript NM_032578.4 (MANE Select); coding-DNA position 3098, A replaced by G.
Protein change: p.His1033Arg; replaces histidine 1033 with arginine.
Molecular consequence: missense variant. On other transcripts: non-coding transcript variant (2).
Genome position (GRCh38, 1-based): chr10:68,195,472, A>G. VCF-style: chr10-68195472-A-G. GRCh37 (hg19) VCF-style: chr10-69955229-A-G.
Other names: c.3098A>G, p.His1033Arg (NM_001256267.2); c.2216A>G, p.His739Arg (NM_001256268.2); short protein forms H1033R, H739R.
Identifiers: ClinVar variation 4804798 (VCV004804798.1).

ClinVar aggregate classification (germline): Uncertain significance (1 of 4 stars; one submission).

Conditions:
Dilated cardiomyopathy 1KK (CMD1KK). Identifiers: Orphanet 154, Orphanet 75249, MedGen C3714995, MONDO:0014100, OMIM 615248.

Submission:

Labcorp Genetics (formerly Invitae), Labcorp
Classification: Uncertain significance for Dilated cardiomyopathy 1KK. Last evaluated: 2025-08-20. Review status: criteria provided, single submitter. Criteria: Invitae Variant Classification Sherloc (09022015). Collection method: clinical testing. Allele origin: germline.
Comment: This sequence change replaces histidine, which is basic and polar, with arginine, which is basic and polar, at codon 1033 of the MYPN protein (p.His1033Arg). This variant is not present in population databases (gnomAD no frequency). This variant has not been reported in the literature in individuals affected with MYPN-related conditions. An algorithm developed to predict the effect of missense changes on protein structure and function (PolyPhen-2) suggests that this variant is likely to be disruptive. In summary, the available evidence is currently insufficient to determine the role of this variant in disease. Therefore, it has been classified as a Variant of Uncertain Significance.